The following is an entry in ClinVar:

ClinVar aggregate classification (germline): Pathogenic (1 of 4 stars; one submission).

Conditions:
Inborn genetic diseases. Identifiers: MedGen C0950123, MeSH D030342.

Submission:

Ambry Genetics
Classification: Pathogenic for Inborn genetic diseases. Last evaluated: 2019-09-04. Review status: criteria provided, single submitter. Criteria: Ambry Variant Classification Scheme 2023. Collection method: clinical testing. Allele origin: germline.
Comment: The c.701_705delACCCCinsG pathogenic mutation, located in coding exon 5 of the IDS gene, results from the deletion of 5 nucleotides and insertion of one nucleotide causing a translational frameshift with a predicted alternate stop codon (p.Y234*). This alteration is expected to result in loss of function by premature protein truncation or nonsense-mediated mRNA decay. As such, this alteration is interpreted as a disease-causing mutation.

NM_000202.8(IDS):c.701_705delinsG (p.Arg233_Tyr234insTer)

Genes: IDS (iduronate 2-sulfatase; minus strand), LOC106050102 (IDS recombination region; plus strand). Cytogenetic location: Xq28.
Variant type: Indel.
Coding change: c.701_705delinsG on transcript NM_000202.8 (MANE Select); coding-DNA positions 701 to 705, ACCCC replaced by G.
Protein change: p.Arg233_Tyr234insTer.
Molecular consequence: nonsense. On other transcripts: non-coding transcript variant (1).
Genome position (GRCh38, 1-based): chrX:149,498,110-149,498,114, GGGGT replaced by C on the plus strand (ACCCC replaced by G on the coding strand, the reverse complement: IDS is on the minus strand). VCF-style: chrX-149498110-GGGGT-C. GRCh37 (hg19) VCF-style: chrX-148579641-GGGGT-C.
Other names: c.431_435delinsG, p.Arg143_Tyr144insTer (NM_001166550.4); c.701_705delinsG, p.Arg233_Tyr234insTer (NM_006123.5).
Identifiers: ClinVar variation 1756686 (VCV001756686.2), dbSNP rs2520862144, ClinGen allele CA2580101616.
Genomic context (GRCh38, chrX:149,498,110, plus strand): 5'-CAACAAACAACACAGCTGTCACAGCTGTGCTGGATCAGCCCTCAACCAGCTCTTCACCTT[GGGGT>C]ATCTGAAGGGGATGTGTGGCTTATGATACCCAACGGCCAGGAAGAAAGGACTGGCTGACG-3'